The following is an entry in ClinVar:

ClinVar aggregate classification (germline): Uncertain significance. Review status: criteria provided, multiple submitters, no conflicts (2 of 4 stars). 2 submissions from 2 submitters: Uncertain significance (2). Last evaluated 2023-03-22.

Conditions:
Hypertrophic cardiomyopathy. Also called: HYPERTROPHIC MYOCARDIOPATHY. Identifiers: Orphanet 217569, MedGen C0007194, MeSH D002312, MONDO:0005045, HP:0001639.

Submissions (2):

Labcorp Genetics (formerly Invitae), Labcorp
Classification: Uncertain significance for Hypertrophic cardiomyopathy. Last evaluated: 2023-03-22. Review status: criteria provided, single submitter. Criteria: Invitae Variant Classification Sherloc (09022015). Collection method: clinical testing. Allele origin: germline.
Comment: In summary, the available evidence is currently insufficient to determine the role of this variant in disease. Therefore, it has been classified as a Variant of Uncertain Significance. An algorithm developed to predict the effect of missense changes on protein structure and function (PolyPhen-2) suggests that this variant is likely to be disruptive. ClinVar contains an entry for this variant (Variation ID: 451645). This variant has not been reported in the literature in individuals affected with MYBPC3-related conditions. This variant is not present in population databases (gnomAD no frequency). This sequence change replaces alanine, which is neutral and non-polar, with serine, which is neutral and polar, at codon 898 of the MYBPC3 protein (p.Ala898Ser).

GeneDx
Classification: Uncertain significance. Last evaluated: 2017-08-23. Review status: criteria provided, single submitter. Criteria: GeneDx Variant Classification (06012015). Collection method: clinical testing. Allele origin: germline. Affected: yes.
Comment: A variant of uncertain significance has been identified in the MYBPC3 gene. The A898S variant has not been published as pathogenic or been reported as benign to our knowledge. This variant is also not observed in large population cohorts (Lek et al., 2016; 1000 Genomes Consortium et al., 2015; Exome Variant Server). The A898S variant is a non-conservative amino acid substitution, which is likely to impact secondary protein structure as these residues differ in polarity, charge, size and/or other properties. This substitution occurs at a position that is conserved in mammals, however, serine (S) is the wild-type residue at this position in multiple non-mammalian species. Finally, in silico analysis is inconsistent in its predictions as to whether or not the variant is damaging to the protein structure/function.

NM_000256.3(MYBPC3):c.2692G>T (p.Ala898Ser)

Gene: MYBPC3 (myosin binding protein C3; minus strand). Cytogenetic location: 11p11.2.
Variant type: single nucleotide variant.
Coding change: c.2692G>T on transcript NM_000256.3 (MANE Select); coding-DNA position 2692, G replaced by T.
Protein change: p.Ala898Ser; replaces alanine 898 with serine.
Molecular consequence: missense variant.
Genome position (GRCh38, 1-based): chr11:47,335,922, C>A on the plus strand (G>T on the coding strand, the complement: MYBPC3 is on the minus strand). VCF-style: chr11-47335922-C-A. GRCh37 (hg19) VCF-style: chr11-47357473-C-A.
Other names: c.2692G>T, p.Ala898Ser (LRG_386t1); short protein forms A898S.
Identifiers: ClinVar variation 451645 (VCV000451645.5), dbSNP rs1555120929, ClinGen allele CA380317258.